The following is an entry in ClinVar:

ClinVar aggregate classification (germline): Uncertain significance. Review status: criteria provided, multiple submitters, no conflicts (2 of 4 stars). 2 submissions from 2 submitters: Uncertain significance (2). Last evaluated 2025-05-18.

Conditions:
Inborn genetic diseases. Identifiers: MedGen C0950123, MeSH D030342.
Hereditary spastic paraplegia 11. Also called: Nakamura Osame syndrome; Autosomal recessive hereditary spastic paraplegia, mental impairment, and thin corpus callosum; Spastic Paraplegia 11; Spastic paraplegia, mental retardation and thin corpus callosum; SPASTIC PARAPLEGIA, AUTOSOMAL RECESSIVE, COMPLICATED, WITH THIN CORPUS CALLOSUM; SPASTIC PARAPLEGIA, AUTOSOMAL RECESSIVE, WITH MENTAL IMPAIRMENT AND THIN CORPUS CALLOSUM. Identifiers: Orphanet 2822, MedGen C1858479, MONDO:0011445, OMIM 604360.

Allele frequency attached by ClinVar (database versions not stated): gnomAD 0.00002 and 0.00004; TOPMed 0.00003; gnomAD exomes 0.00004 and 0.00011; ExAC 0.00013; ESP Exome Variant Server 0.00015; 1000 Genomes Project 30x 0.00047; 1000 Genomes Project 0.00060.
gnomAD v4.1: 60 of 1,608,900 alleles (0.0037%); highest among the groups gnomAD compares: South Asian, 0.053%; 1 homozygote.

Submissions (2):

Ambry Genetics
Classification: Uncertain significance for Inborn genetic diseases. Last evaluated: 2025-05-18. Review status: criteria provided, single submitter. Criteria: Ambry Variant Classification Scheme 2023. Collection method: clinical testing. Allele origin: germline.

Labcorp Genetics (formerly Invitae), Labcorp
Classification: Uncertain significance for Hereditary spastic paraplegia 11. Last evaluated: 2022-06-14. Review status: criteria provided, single submitter. Criteria: Invitae Variant Classification Sherloc (09022015). Collection method: clinical testing. Allele origin: germline.
Comment: This sequence change replaces serine, which is neutral and polar, with asparagine, which is neutral and polar, at codon 148 of the SPG11 protein (p.Ser148Asn). This variant is present in population databases (rs141990871, gnomAD 0.07%), including at least one homozygous and/or hemizygous individual. This variant has not been reported in the literature in individuals affected with SPG11-related conditions. ClinVar contains an entry for this variant (Variation ID: 1020805). Algorithms developed to predict the effect of missense changes on protein structure and function are either unavailable or do not agree on the potential impact of this missense change (SIFT: "Tolerated"; PolyPhen-2: "Probably Damaging"; Align-GVGD: "Class C0"). In summary, the available evidence is currently insufficient to determine the role of this variant in disease. Therefore, it has been classified as a Variant of Uncertain Significance.

NM_025137.4(SPG11):c.443G>A (p.Ser148Asn)

Gene: SPG11 (SPG11 vesicle trafficking associated, spatacsin; minus strand). Cytogenetic location: 15q21.1.
Variant type: single nucleotide variant.
Coding change: c.443G>A on transcript NM_025137.4 (MANE Select); coding-DNA position 443, G replaced by A.
Protein change: p.Ser148Asn; replaces serine 148 with asparagine.
Molecular consequence: missense variant.
Genome position (GRCh38, 1-based): chr15:44,659,303, C>T on the plus strand (G>A on the coding strand, the complement: SPG11 is on the minus strand). VCF-style: chr15-44659303-C-T. GRCh37 (hg19) VCF-style: chr15-44951501-C-T.
Other names: c.443G>A, p.Ser148Asn (NM_001160227.2); short protein forms S148N.
Identifiers: ClinVar variation 1020805 (VCV001020805.9), dbSNP rs141990871, ClinGen allele CA7535817.